The following is an entry in ClinVar:

NC_000011.10:g.(?_108365072)_(108365518_?)del

Genes: ATM (ATM serine/threonine kinase; plus strand), C11orf65 (chromosome 11 open reading frame 65; minus strand). Cytogenetic location: 11q22.3.
Variant type: Deletion.
Identifiers: ClinVar variation 583621 (VCV000583621.3).

ClinVar aggregate classification (germline): Pathogenic (1 of 4 stars; one submission).

Conditions:
Ataxia-telangiectasia syndrome (AT). Also called: Ataxia-telangiectasia, complementation group D; AT, COMPLEMENTATION GROUP C; Ataxia-telangiectasia, complementation group E; Cerebello-oculocutaneous telangiectasia; Immunodeficiency with ataxia telangiectasia; ATAXIA-TELANGIECTASIA, COMPLEMENTATION GROUP A. Identifiers: Orphanet 100, MedGen C0004135, MONDO:0008840, OMIM 208900.

Submission:

Labcorp Genetics (formerly Invitae), Labcorp
Classification: Pathogenic for Ataxia-telangiectasia syndrome. Last evaluated: 2019-12-09. Review status: criteria provided, single submitter. Criteria: Invitae Variant Classification Sherloc (09022015). Collection method: clinical testing. Allele origin: germline.
Comment: This variant is a gross deletion of the genomic region encompassing exons 62-63 of the ATM gene. The 5' boundary is likely confined to intron 61. The 3' end of this event is unknown as it extends through the termination codon beyond the assayed region for this gene and may encompass additional genes. While this is not anticipated to result in nonsense mediated decay, it is expected to delete the last 106 amino acids of the ATM protein. Deletions encompassing exons 62-63 of ATM have been reported in several individuals with ataxia-telangiectasia, some of whom were homozygous for this variant (PMID: 9443866, 9792409,25614872). In addition, this variant has been observed in individuals with breast cancer (PMID: 25428789, 26681312). This variant is also known as a deletion of exons 64-65 in the literature. A missense change in exon 63 (p.Arg3008Cys) and a deletion encompassing exon 63 have been determined to be pathogenic (PMID: 9872980, 12552566, 23807571). This suggests that exon 63 is critical for ATM protein function. For these reasons, this deletion has been classified as Pathogenic.

Literature cited by the submitters: PubMed 12552566; PubMed 9443866; PubMed 25614872; PubMed 26681312; PubMed 23807571; PubMed 9872980; PubMed 25428789; PubMed 9792409.